The following is an entry in ClinVar:

NM_000381.4(MID1):c.979C>T (p.Arg327Cys)

Gene: MID1 (midline 1; minus strand). Cytogenetic location: Xp22.2.
Variant type: single nucleotide variant.
Coding change: c.979C>T on transcript NM_000381.4 (MANE Select); coding-DNA position 979, C replaced by T.
Protein change: p.Arg327Cys; replaces arginine 327 with cysteine.
Molecular consequence: missense variant.
Genome position (GRCh38, 1-based): chrX:10,482,514, G>A on the plus strand (C>T on the coding strand, the complement: MID1 is on the minus strand). VCF-style: chrX-10482514-G-A. GRCh37 (hg19) VCF-style: chrX-10450554-G-A.
Other names: c.979C>T, p.Arg327Cys (NM_001098624.2, NM_001193277.1, NM_001193279.1 and 2 more transcripts); c.1132C>T, p.Arg378Cys (NM_001193278.1); c.865C>T, p.Arg289Cys (NM_001193280.1, NM_033289.2); short protein forms R289C, R378C, R327C.
Identifiers: ClinVar variation 1768228 (VCV001768228.2), dbSNP rs1483645727, ClinGen allele CA412052800.

ClinVar aggregate classification (germline): Uncertain significance (1 of 4 stars; one submission).

Conditions:
Inborn genetic diseases. Identifiers: MedGen C0950123, MeSH D030342.

Allele frequency attached by ClinVar (database versions not stated): gnomAD exomes below 0.00001; TOPMed 0.00002.
gnomAD v4.1: 4 of 1,211,059 alleles (0.00033%); highest among the groups gnomAD compares: Middle Eastern, 0.046%; no homozygotes.

Submission:

Ambry Genetics
Classification: Uncertain significance for Inborn genetic diseases. Last evaluated: 2017-07-11. Review status: criteria provided, single submitter. Criteria: Ambry Variant Classification Scheme 2023. Collection method: clinical testing. Allele origin: germline.
Comment: The p.R327C variant (also known as c.979C>T), located in coding exon 4 of the MID1 gene, results from a C to T substitution at nucleotide position 979. The arginine at codon 327 is replaced by cysteine, an amino acid with highly dissimilar properties. This amino acid position is well conserved in available vertebrate species. In addition, this alteration is predicted to be tolerated by in silico analysis. Since supporting evidence is limited at this time, the clinical significance of this alteration remains unclear.